The following is an entry in ClinVar:

ClinVar aggregate classification (germline): Uncertain significance. Review status: criteria provided, multiple submitters, no conflicts (2 of 4 stars). 3 submissions from 3 submitters: Uncertain significance (3). Last evaluated 2026-06-01.

Conditions:
Donnai-Barrow syndrome. Also called: FACIOOCULOACOUSTICORENAL SYNDROME; DBS/FOAR SYNDROME. Identifiers: Orphanet 2143, MedGen C1857277, MONDO:0009104, OMIM 222448.

Allele frequency attached by ClinVar (database versions not stated): ExAC 0.00001; gnomAD 0.00001; gnomAD exomes 0.00001.
gnomAD v4.1: 12 of 1,614,004 alleles (0.00074%); highest among the groups gnomAD compares: African/African-American, 0.0027%; no homozygotes.

Submissions (3):

CeGaT Center for Human Genetics Tuebingen
Classification: Uncertain significance. Last evaluated: 2026-06-01. Review status: criteria provided, single submitter. Criteria: CeGaT Center For Human Genetics Tuebingen Variant Classification Criteria Version 2. Collection method: clinical testing. Allele origin: germline. Affected: yes. Observed: 1 variant allele.
Comment: LRP2: PM2

Labcorp Genetics (formerly Invitae), Labcorp
Classification: Uncertain significance. Last evaluated: 2025-03-10. Review status: criteria provided, single submitter. Criteria: Invitae Variant Classification Sherloc (09022015). Collection method: clinical testing. Allele origin: germline.
Comment: This sequence change replaces arginine, which is basic and polar, with glutamine, which is neutral and polar, at codon 3775 of the LRP2 protein (p.Arg3775Gln). This variant is present in population databases (rs779480228, gnomAD 0.002%). This variant has not been reported in the literature in individuals affected with LRP2-related conditions. ClinVar contains an entry for this variant (Variation ID: 1920248). Invitae Evidence Modeling of protein sequence and biophysical properties (such as structural, functional, and spatial information, amino acid conservation, physicochemical variation, residue mobility, and thermodynamic stability) indicates that this missense variant is not expected to disrupt LRP2 protein function with a negative predictive value of 95%. In summary, the available evidence is currently insufficient to determine the role of this variant in disease. Therefore, it has been classified as a Variant of Uncertain Significance.

Fulgent Genetics
Classification: Uncertain significance for Donnai-Barrow syndrome. Last evaluated: 2024-04-22. Review status: criteria provided, single submitter. Criteria: ACMG Guidelines, 2015. Collection method: clinical testing. Allele origin: germline.

NM_004525.3(LRP2):c.11324G>A (p.Arg3775Gln)

Gene: LRP2 (LDL receptor related protein 2; minus strand). Cytogenetic location: 2q31.1.
Variant type: single nucleotide variant.
Coding change: c.11324G>A on transcript NM_004525.3 (MANE Select); coding-DNA position 11324, G replaced by A.
Protein change: p.Arg3775Gln; replaces arginine 3775 with glutamine.
Molecular consequence: missense variant.
Genome position (GRCh38, 1-based): chr2:169,170,607, C>T on the plus strand (G>A on the coding strand, the complement: LRP2 is on the minus strand). VCF-style: chr2-169170607-C-T. GRCh37 (hg19) VCF-style: chr2-170027117-C-T.
Other names: short protein forms R3775Q.
Identifiers: ClinVar variation 1920248 (VCV001920248.6), dbSNP rs779480228, ClinGen allele CA1953109.